The following is an entry in ClinVar:

NM_006206.6(PDGFRA):c.1492G>A (p.Ala498Thr)

Gene: PDGFRA (platelet derived growth factor receptor alpha; plus strand). Cytogenetic location: 4q12.
Variant type: single nucleotide variant.
Coding change: c.1492G>A on transcript NM_006206.6 (MANE Select); coding-DNA position 1492, G replaced by A.
Protein change: p.Ala498Thr; replaces alanine 498 with threonine.
Molecular consequence: missense variant.
Genome position (GRCh38, 1-based): chr4:54,273,664, G>A. VCF-style: chr4-54273664-G-A. GRCh37 (hg19) VCF-style: chr4-55139831-G-A.
Other names: c.1492G>A, p.Ala498Thr (NM_001347827.2, NM_001347829.2); c.1567G>A, p.Ala523Thr (NM_001347828.2); c.1531G>A, p.Ala511Thr (NM_001347830.2); short protein forms A498T, A511T, A523T.
Identifiers: ClinVar variation 407407 (VCV000407407.15), dbSNP rs758137485, ClinGen allele CA2922583.
Genomic context (GRCh38, chr4:54,273,664, plus strand): 5'-TCCCGAGACAGGAGTACCGTGGAGGGCCGTGTGACTTTCGCCAAAGTGGAGGAGACCATC[G>A]CCGTGCGATGCCTGGCTAAGAATCTCCTTGGAGCTGAGAACCGAGAGCTGAAGCTGGTGG-3'
Protein context (NP_006197.1, residues 488-508): VTFAKVEETI[Ala498Thr]VRCLAKNLLG

ClinVar aggregate classification (germline): Conflicting classifications of pathogenicity. Review status: criteria provided, conflicting classifications (1 of 4 stars). 4 submissions from 4 submitters: Uncertain significance (3); Likely benign (1). Last evaluated 2025-01-23.

Conditions:
Polyps, multiple and recurrent inflammatory fibroid, gastrointestinal. Identifiers: MedGen C5193005, MONDO:0008285, OMIM 175510.
Gastrointestinal stromal tumor. Also called: Gastrointestinal stromal tumor, somatic; Gastrointestinal stroma tumor. Identifiers: Orphanet 44890, MedGen C0238198, MeSH D046152, MONDO:0011719, OMIM 606764, HP:0100723.
Hereditary cancer-predisposing syndrome. Also called: Neoplastic Syndromes, Hereditary; Hereditary Cancer Syndrome; Hereditary neoplastic syndrome; Tumor predisposition. Identifiers: Orphanet 140162, MedGen C0027672, MeSH D009386, MONDO:0015356.

Allele frequency attached by ClinVar (database versions not stated): ExAC 0.00002; gnomAD exomes 0.00002; gnomAD 0.00003 and 0.00004; TOPMed 0.00006.
gnomAD v4.1: 15 of 1,613,922 alleles (0.00093%); highest among the groups gnomAD compares: African/African-American, 0.0053%; no homozygotes.

Submissions (4):

Labcorp Genetics (formerly Invitae), Labcorp
Classification: Uncertain significance for Gastrointestinal stromal tumor. Last evaluated: 2025-01-23. Review status: criteria provided, single submitter. Criteria: Invitae Variant Classification Sherloc (09022015). Collection method: clinical testing. Allele origin: germline.
Comment: This sequence change replaces alanine, which is neutral and non-polar, with threonine, which is neutral and polar, at codon 498 of the PDGFRA protein (p.Ala498Thr). This variant is present in population databases (rs758137485, gnomAD 0.008%). This variant has not been reported in the literature in individuals affected with PDGFRA-related conditions. ClinVar contains an entry for this variant (Variation ID: 407407). Invitae Evidence Modeling of protein sequence and biophysical properties (such as structural, functional, and spatial information, amino acid conservation, physicochemical variation, residue mobility, and thermodynamic stability) indicates that this missense variant is not expected to disrupt PDGFRA protein function with a negative predictive value of 80%. In summary, the available evidence is currently insufficient to determine the role of this variant in disease. Therefore, it has been classified as a Variant of Uncertain Significance.

Ambry Genetics
Classification: Likely benign for Hereditary cancer-predisposing syndrome. Last evaluated: 2024-10-02. Review status: criteria provided, single submitter. Criteria: Ambry Variant Classification Scheme 2023. Collection method: clinical testing. Allele origin: germline.

GeneDx
Classification: Uncertain significance. Last evaluated: 2023-12-18. Review status: criteria provided, single submitter. Criteria: GeneDx Variant Classification Process June 2021. Collection method: clinical testing. Allele origin: germline. Affected: yes.
Comment: In silico analysis supports that this missense variant does not alter protein structure/function; Has not been previously published as pathogenic or benign to our knowledge

Baylor Genetics
Classification: Uncertain significance for Polyps, multiple and recurrent inflammatory fibroid, gastrointestinal. Last evaluated: 2023-11-21. Review status: criteria provided, single submitter. Criteria: ACMG Guidelines, 2015. Collection method: clinical testing. Allele origin: unknown.